The following is an entry in ClinVar:

NM_001453.3(FOXC1):c.388C>T (p.Leu130Phe)

Gene: FOXC1 (forkhead box C1; plus strand). Cytogenetic location: 6p25.3.
Variant type: single nucleotide variant.
Coding change: c.388C>T on transcript NM_001453.3 (MANE Select); coding-DNA position 388, C replaced by T.
Protein change: p.Leu130Phe; replaces leucine 130 with phenylalanine.
Molecular consequence: missense variant.
Genome position (GRCh38, 1-based): chr6:1,610,833, C>T. VCF-style: chr6-1610833-C-T. GRCh37 (hg19) VCF-style: chr6-1611068-C-T.
Other names: short protein forms L130F.
Identifiers: ClinVar variation 8460 (VCV000008460.16), dbSNP rs121909338, ClinGen allele CA119643.

ClinVar aggregate classification (germline): Conflicting classifications of pathogenicity. Review status: criteria provided, conflicting classifications (1 of 4 stars). 6 submissions from 6 submitters: Pathogenic (1); Likely pathogenic (2); Uncertain significance (1). 2 of the submissions do not count toward it. Last evaluated 2024-01-20.

Conditions:
FOXC1-related disorders.
Axenfeld-Rieger syndrome type 3 (RIEG3). Also called: AXENFELD-RIEGER ANOMALY WITH CARDIAC DEFECTS AND/OR SENSORINEURAL HEARING LOSS. Identifiers: Orphanet 782, MedGen C2678503, MONDO:0011233, OMIM 602482.

Submissions (6):

Baylor Genetics
Classification: Pathogenic for Axenfeld-Rieger syndrome type 3. Last evaluated: 2024-01-20. Review status: criteria provided, single submitter. Criteria: ACMG Guidelines, 2015. Collection method: clinical testing. Allele origin: unknown.

Blueprint Genetics
Classification: Likely pathogenic for FOXC1-related disorders. Last evaluated: 2023-09-18. Review status: criteria provided, single submitter. Criteria: ACMG Guidelines, 2015. Collection method: clinical testing. Allele origin: germline. Affected: yes. Observed: 3 variant alleles.

Labcorp Genetics (formerly Invitae), Labcorp
Classification: Likely pathogenic for Axenfeld-Rieger syndrome type 3. Last evaluated: 2016-11-28. Review status: criteria provided, single submitter. Criteria: Invitae Variant Classification Sherloc (09022015). Collection method: clinical testing. Allele origin: germline.
Comment: This sequence change replaces leucine with phenylalanine at codon 130 of the FOXC1 protein (p.Leu130Phe). The leucine residue is highly conserved and there is a small physicochemical difference between leucine and phenylalanine. This variant is not present in population databases (ExAC no frequency). This variant has been reported in individuals with Axenfled-Rieger syndrome (PMID: 17197537, 17210863) and it has been shown to arise de novo in one individual (PMID: 17210863). ClinVar contains an entry for this variant (Variation ID: 8460). Experimental evidence suggest this variant results in a severely impaired FOXC1 protein that forms aggregates in the cytoplasm, has reduced localization to the nucleus, reduced DNA binding and reduced transactivation ability (PMID: 19279310, 17013732, 17210863). In addition, expression of this variant in human trabecular meshwork cells shows reduced activity and increased cell death compared to expression of wild type FOXC1 protein (PMID: 24556684). In summary, this is a rare missense change that disrupts protein function in cell culture and has been observed in affected individuals. In the absence of additional genetic data, this variant has been classified as Likely Pathogenic.

Eurofins Ntd Llc (ga)
Classification: Uncertain significance. Last evaluated: 2014-11-24. Review status: criteria provided, single submitter. Criteria: EGL Classification Definitions 2015. Collection method: clinical testing. Allele origin: germline. Observed: 1 variant allele, 1 heterozygote.

Clinical Genetics Laboratory, University Hospital Schleswig-Holstein
Classification: Likely pathogenic for Axenfeld-Rieger syndrome type 3. Last evaluated: 2024-01-18. Review status: no assertion criteria provided. Collection method: clinical testing. Allele origin: germline. Affected: yes. Not counted in ClinVar's aggregate classification.

OMIM
Classification: Pathogenic for AXENFELD-RIEGER SYNDROME, TYPE 3. Last evaluated: 2007-01-01. Review status: no assertion criteria provided. Collection method: literature only. Allele origin: germline. Not counted in ClinVar's aggregate classification.

Literature cited by the submitters: PubMed 17197537 (cited by Labcorp Genetics (formerly Invitae), Labcorp and Eurofins Ntd Llc (ga)); PubMed 17210863 (cited by 3 submitters); PubMed 19279310 (cited by Labcorp Genetics (formerly Invitae), Labcorp); PubMed 17013732 (cited by Labcorp Genetics (formerly Invitae), Labcorp); PubMed 24556684 (cited by Labcorp Genetics (formerly Invitae), Labcorp).